The following is an entry in ClinVar:

ClinVar aggregate classification (germline): Uncertain significance. Review status: criteria provided, multiple submitters, no conflicts (2 of 4 stars). 2 submissions from 2 submitters: Uncertain significance (2). Last evaluated 2026-06-30.

Conditions:
CD151-related disorder. Also called: CD151-related condition.

Submissions (2):

PreventionGenetics, part of Exact Sciences
Classification: Uncertain significance for CD151-related condition. Last evaluated: 2026-06-30. Review status: criteria provided, single submitter. Criteria: ACMG Guidelines, 2015. Collection method: clinical testing. Allele origin: germline.
Comment: The CD151 c.619G>A variant is predicted to result in the amino acid substitution p.Gly207Ser. To our knowledge, this variant has not been reported in the literature in patients with a CD151 related disorder. This variant is reported in 0.0099% of alleles in individuals of South Asian descent in gnomAD. At this time, the clinical significance of this variant is uncertain due to the absence of conclusive functional and genetic evidence.

Labcorp Genetics (formerly Invitae), Labcorp
Classification: Uncertain significance. Last evaluated: 2024-06-14. Review status: criteria provided, single submitter. Criteria: Invitae Variant Classification Sherloc (09022015). Collection method: clinical testing. Allele origin: germline.
Comment: This sequence change replaces glycine, which is neutral and non-polar, with serine, which is neutral and polar, at codon 207 of the CD151 protein (p.Gly207Ser). This variant is present in population databases (rs534240443, gnomAD 0.01%). This variant has not been reported in the literature in individuals affected with CD151-related conditions. An algorithm developed to predict the effect of missense changes on protein structure and function (PolyPhen-2) suggests that this variant is likely to be disruptive. Algorithms developed to predict the effect of sequence changes on RNA splicing suggest that this variant may create or strengthen a splice site. In summary, the available evidence is currently insufficient to determine the role of this variant in disease. Therefore, it has been classified as a Variant of Uncertain Significance.

NM_004357.5(CD151):c.619G>A (p.Gly207Ser)

Gene: CD151 (CD151 molecule (Raph blood group); plus strand). Cytogenetic location: 11p15.5.
Variant type: single nucleotide variant.
Coding change: c.619G>A on transcript NM_004357.5 (MANE Select); coding-DNA position 619, G replaced by A.
Protein change: p.Gly207Ser; replaces glycine 207 with serine.
Molecular consequence: missense variant.
Genome position (GRCh38, 1-based): chr11:837,945, G>A. VCF-style: chr11-837945-G-A. GRCh37 (hg19) VCF-style: chr11-837945-G-A.
Other names: c.619G>A, p.Gly207Ser (NM_001039490.2, NM_139029.2, NM_139030.4); c.619G>A (NM_004357.4); short protein forms G207S.
Identifiers: ClinVar variation 3716894 (VCV003716894.3).